The following is an entry in ClinVar:

NM_001384317.1(ZHX3):c.1441A>C (p.Thr481Pro)

Gene: ZHX3 (zinc fingers and homeoboxes 3; minus strand). Cytogenetic location: 20q12.
Variant type: single nucleotide variant.
Coding change: c.1441A>C on transcript NM_001384317.1 (MANE Select); coding-DNA position 1441, A replaced by C.
Protein change: p.Thr481Pro; replaces threonine 481 with proline.
Molecular consequence: missense variant.
Genome position (GRCh38, 1-based): chr20:41,203,476, T>G on the plus strand (A>C on the coding strand, the complement: ZHX3 is on the minus strand). VCF-style: chr20-41203476-T-G. GRCh37 (hg19) VCF-style: chr20-39832116-T-G.
Other names: c.1441A>C, p.Thr481Pro (NM_001384315.1, NM_001384316.1, NM_001384318.1 and 8 more transcripts); short protein forms T481P.
Identifiers: ClinVar variation 2025238 (VCV002025238.4), dbSNP rs1217558438, ClinGen allele CA409039897.

ClinVar aggregate classification (germline): Uncertain significance (1 of 4 stars; one submission).

Submission:

Labcorp Genetics (formerly Invitae), Labcorp
Classification: Uncertain significance. Last evaluated: 2022-08-20. Review status: criteria provided, single submitter. Criteria: Invitae Variant Classification Sherloc (09022015). Collection method: clinical testing. Allele origin: germline.
Comment: This sequence change replaces threonine, which is neutral and polar, with proline, which is neutral and non-polar, at codon 481 of the ZHX3 protein (p.Thr481Pro). In summary, the available evidence is currently insufficient to determine the role of this variant in disease. Therefore, it has been classified as a Variant of Uncertain Significance. Algorithms developed to predict the effect of missense changes on protein structure and function (SIFT, PolyPhen-2, Align-GVGD) all suggest that this variant is likely to be tolerated. This variant has not been reported in the literature in individuals affected with ZHX3-related conditions. This variant is not present in population databases (gnomAD no frequency).